The following is an entry in ClinVar:

NM_002202.3(ISL1):c.886G>A (p.Asp296Asn)

Gene: ISL1 (ISL LIM homeobox 1; plus strand). Cytogenetic location: 5q11.1.
Variant type: single nucleotide variant.
Coding change: c.886G>A on transcript NM_002202.3 (MANE Select); coding-DNA position 886, G replaced by A.
Protein change: p.Asp296Asn; replaces aspartic acid 296 with asparagine.
Molecular consequence: missense variant.
Genome position (GRCh38, 1-based): chr5:51,391,394, G>A. VCF-style: chr5-51391394-G-A. GRCh37 (hg19) VCF-style: chr5-50687228-G-A.
Other names: short protein forms D296N.
Identifiers: ClinVar variation 2260542 (VCV002260542.3), dbSNP rs372119962, ClinGen allele CA3261095.

ClinVar aggregate classification (germline): Uncertain significance. Review status: criteria provided, multiple submitters, no conflicts (2 of 4 stars). 2 submissions from 2 submitters: Uncertain significance (2). Last evaluated 2025-04-24.

Conditions:
ISL1-related disorder. Also called: ISL1-related condition.

Allele frequency attached by ClinVar (database versions not stated): gnomAD 0.00005; TOPMed 0.00005; ESP Exome Variant Server 0.00008; 1000 Genomes Project 30x 0.00016; 1000 Genomes Project 0.00020.
gnomAD v4.1: 23 of 1,614,190 alleles (0.0014%); highest among the groups gnomAD compares: African/African-American, 0.0053%; no homozygotes.

Submissions (2):

PreventionGenetics, part of Exact Sciences
Classification: Uncertain significance for ISL1-related condition. Last evaluated: 2025-04-24. Review status: criteria provided, single submitter. Criteria: ACMG Guidelines, 2015. Collection method: clinical testing. Allele origin: germline.
Comment: The ISL1 c.886G>A variant is predicted to result in the amino acid substitution p.Asp296Asn. To our knowledge, this variant has not been reported in the literature. This variant is reported in 0.0041% of alleles in individuals of African descent in gnomAD. At this time, the clinical significance of this variant is uncertain due to the absence of conclusive functional and genetic evidence.

Ambry Genetics
Classification: Uncertain significance. Last evaluated: 2021-11-12. Review status: criteria provided, single submitter. Criteria: Ambry Variant Classification Scheme 2023. Collection method: clinical testing. Allele origin: germline.